The following is an entry in ClinVar:

NM_031885.5(BBS2):c.1750G>A (p.Ala584Thr)

Gene: BBS2 (Bardet-Biedl syndrome 2; minus strand). Cytogenetic location: 16q13.
Variant type: single nucleotide variant.
Coding change: c.1750G>A on transcript NM_031885.5 (MANE Select); coding-DNA position 1750, G replaced by A.
Protein change: p.Ala584Thr; replaces alanine 584 with threonine.
Molecular consequence: missense variant. On other transcripts: non-coding transcript variant (5).
Genome position (GRCh38, 1-based): chr16:56,497,790, C>T on the plus strand (G>A on the coding strand, the complement: BBS2 is on the minus strand). VCF-style: chr16-56497790-C-T. GRCh37 (hg19) VCF-style: chr16-56531702-C-T.
Other names: c.1750G>A, p.Ala584Thr (NM_001377456.1); short protein forms A584T.
Identifiers: ClinVar variation 1903576 (VCV001903576.3), dbSNP rs1462271571, ClinGen allele CA395975877.

ClinVar aggregate classification (germline): Uncertain significance (1 of 4 stars; one submission).

Conditions:
Bardet-Biedl syndrome (BBS). Identifiers: Orphanet 110, MedGen C0752166, MONDO:0015229.

Submission:

Labcorp Genetics (formerly Invitae), Labcorp
Classification: Uncertain significance for Bardet-Biedl syndrome. Last evaluated: 2023-08-10. Review status: criteria provided, single submitter. Criteria: Invitae Variant Classification Sherloc (09022015). Collection method: clinical testing. Allele origin: germline.
Comment: This sequence change replaces alanine, which is neutral and non-polar, with threonine, which is neutral and polar, at codon 584 of the BBS2 protein (p.Ala584Thr). This variant is not present in population databases (gnomAD no frequency). This variant has not been reported in the literature in individuals affected with BBS2-related conditions. ClinVar contains an entry for this variant (Variation ID: 1903576). Advanced modeling of protein sequence and biophysical properties (such as structural, functional, and spatial information, amino acid conservation, physicochemical variation, residue mobility, and thermodynamic stability) performed at Invitae indicates that this missense variant is expected to disrupt BBS2 protein function. In summary, the available evidence is currently insufficient to determine the role of this variant in disease. Therefore, it has been classified as a Variant of Uncertain Significance.